The following is an entry in ClinVar:

NM_001374828.1(ARID1B):c.4517del (p.Pro1506fs)

Gene: ARID1B (AT-rich interaction domain 1B; plus strand). Cytogenetic location: 6q25.3.
Variant type: Deletion.
Coding change: c.4517del on transcript NM_001374828.1 (MANE Select); coding-DNA position 4517, one base deleted (C; older notation c.4517delC).
Protein change: p.Pro1506fs; shifts the reading frame from proline 1506.
Molecular consequence: frameshift variant.
Genome position (GRCh38, 1-based): chr6:157,200,742, C deleted; the last of 5 consecutive C bases (chr6:157,200,738-157,200,742); deleting any one gives the same sequence. VCF-style (leftmost placement, unchanged base first): chr6-157200737-GC-G. GRCh37 (hg19) VCF-style: chr6-157521871-GC-G.
Other names: c.4148delC (NM_020732.3); c.2018del, p.Pro673fs (NM_001363725.2); c.4397del, p.Pro1466fs (NM_001371656.1, NM_001374820.1); c.4358del, p.Pro1453fs (NM_017519.3); short protein forms P1466fs, P1453fs, P1506fs, P673fs.
Identifiers: ClinVar variation 817087 (VCV000817087.5), dbSNP rs1583500173, ClinGen allele CA658784856.
Genomic context (GRCh38, chr6:157,200,737, plus strand): 5'-GGATGATTTGTCTTTCTGTGAATTCCAGAATTACAAACGCCATATGGACGGCATGTACGG[GC>G]CCCCAGCCAAGCGCCACGAGGGCGACATGTACAACATGCAGTACAGCAGCCAGCAGCAGG-3'

ClinVar aggregate classification (germline): Pathogenic. Review status: criteria provided, multiple submitters, no conflicts (2 of 4 stars). 2 submissions from 2 submitters: Pathogenic (2). Last evaluated 2022-07-08.

Submissions (2):

Labcorp Genetics (formerly Invitae), Labcorp
Classification: Pathogenic. Last evaluated: 2022-07-08. Review status: criteria provided, single submitter. Criteria: Invitae Variant Classification Sherloc (09022015). Collection method: clinical testing. Allele origin: germline.
Comment: For these reasons, this variant has been classified as Pathogenic. ClinVar contains an entry for this variant (Variation ID: 817087). This premature translational stop signal has been observed in individual(s) with clinical features of ARID1B-related conditions (PMID: 25533962). This variant is not present in population databases (gnomAD no frequency). This sequence change creates a premature translational stop signal (p.Pro1383Glnfs*65) in the ARID1B gene. It is expected to result in an absent or disrupted protein product. Loss-of-function variants in ARID1B are known to be pathogenic (PMID: 25674384, 30349098).

GeneDx
Classification: Pathogenic. Last evaluated: 2018-05-24. Review status: criteria provided, single submitter. Criteria: GeneDx Variant Classification (06012015). Collection method: clinical testing. Allele origin: germline. Affected: yes.
Comment: The c.4148delC variant in the ARID1B gene has not been reported previously as a pathogenic variant nor as a benign variant, to our knowledge. The c.4148delC variant causes a frameshift starting with codon Proline 1383, changes this amino acid to a Glutamine residue, and creates a premature Stop codon at position 65 of the new reading frame, denoted p.Pro1383GlnfsX65. This variant is predicted to cause loss of normal protein function either through protein truncation or nonsense-mediated mRNA decay. The c.4148delC variant is not observed in large population cohorts (Lek et al., 2016). We interpret c.4148delC as a pathogenic variant.

Literature cited by the submitters: PubMed 25533962 (cited by Labcorp Genetics (formerly Invitae), Labcorp); PubMed 25674384 (cited by Labcorp Genetics (formerly Invitae), Labcorp); PubMed 30349098 (cited by Labcorp Genetics (formerly Invitae), Labcorp).